The following is an entry in ClinVar:

ClinVar aggregate classification (germline): Pathogenic/Likely pathogenic. Review status: criteria provided, multiple submitters, no conflicts (2 of 4 stars). 2 submissions from 2 submitters: Pathogenic (1); Likely pathogenic (1). Last evaluated 2025-12-09.

Conditions:
Marfan syndrome (MFS). Also called: FBN1-Related Marfan Syndrome; MARFAN SYNDROME, TYPE I; Marfan syndrome type 1; Marfan's syndrome; Marfan syndrome, classic. Identifiers: Orphanet 284963, Orphanet 558, MedGen C0024796, MONDO:0007947, OMIM 154700.
Familial thoracic aortic aneurysm and aortic dissection (TAAD). Also called: Thoracic aortic aneurysms and dissections. Identifiers: Orphanet 91387, MedGen C4707243, MONDO:0019625.

Submissions (2):

Labcorp Genetics (formerly Invitae), Labcorp
Classification: Pathogenic for Marfan syndrome; Familial thoracic aortic aneurysm and aortic dissection. Last evaluated: 2025-12-09. Review status: criteria provided, single submitter. Criteria: Invitae Variant Classification Sherloc (09022015). Collection method: clinical testing. Allele origin: germline.
Comment: This sequence change replaces cysteine, which is neutral and slightly polar, with tyrosine, which is neutral and polar, at codon 628 of the FBN1 protein (p.Cys628Tyr). This variant is not present in population databases (gnomAD no frequency). This missense change has been observed in individual(s) with clinical features of Marfan syndrome (internal data). ClinVar contains an entry for this variant (Variation ID: 1066301). Invitae Evidence Modeling of protein sequence and biophysical properties (such as structural, functional, and spatial information, amino acid conservation, physicochemical variation, residue mobility, and thermodynamic stability) indicates that this missense variant is expected to disrupt FBN1 protein function with a positive predictive value of 95%. This variant affects a cysteine residue in the EGF-like, TGFBP or hybrid motif domains of FBN1. Cysteine residues are believed to be involved in intramolecular disulfide bridges and have been shown to be important for FBN1 protein structure (PMID: 16905551, 19349279). In addition, missense substitutions affecting cysteine residues within these domains are significantly overrepresented among patients with Marfan syndrome (PMID: 16571647, 17701892). This variant disrupts the p.Cys628 amino acid residue in FBN1. Other variant(s) that disrupt this residue have been observed in individuals with FBN1-related conditions (PMID: 12402346; internal data), which suggests that this may be a clinically significant amino acid residue. For these reasons, this variant has been classified as Pathogenic.

GeneDx
Classification: Likely pathogenic. Last evaluated: 2022-04-21. Review status: criteria provided, single submitter. Criteria: GeneDx Variant Classification Process June 2021. Collection method: clinical testing. Allele origin: germline. Affected: yes.
Comment: Reported in an individual from a cohort referred for symptoms of Marfan syndrome, however, patient-specific details were not described (Robinson et al., 2012); Not observed at significant frequency in large population cohorts (gnomAD); In silico analysis supports that this missense variant has a deleterious effect on protein structure/function; Affects a cysteine residue within a calcium-binding EGF-like domain of the FBN1 gene, which may affect disulfide bonding and is predicted to alter the structure and function of the protein; cysteine substitutions in the calcium-binding EGF-like domains represent the majority of pathogenic missense changes associated with FBN1-related disorders (Collod-Beroud et al., 2003); This variant is associated with the following publications: (PMID: 21895641, 10486319, 12938084, 32123317)

Literature cited by the submitters: PubMed 16905551 (cited by Labcorp Genetics (formerly Invitae), Labcorp); PubMed 19349279 (cited by Labcorp Genetics (formerly Invitae), Labcorp); PubMed 16571647 (cited by Labcorp Genetics (formerly Invitae), Labcorp); PubMed 17701892 (cited by Labcorp Genetics (formerly Invitae), Labcorp); PubMed 12402346 (cited by Labcorp Genetics (formerly Invitae), Labcorp).

NM_000138.5(FBN1):c.1883G>A (p.Cys628Tyr)

Gene: FBN1 (fibrillin 1; minus strand). Cytogenetic location: 15q21.1.
Variant type: single nucleotide variant.
Coding change: c.1883G>A on transcript NM_000138.5 (MANE Select); coding-DNA position 1883, G replaced by A.
Protein change: p.Cys628Tyr; replaces cysteine 628 with tyrosine.
Molecular consequence: missense variant.
Genome position (GRCh38, 1-based): chr15:48,505,102, C>T on the plus strand (G>A on the coding strand, the complement: FBN1 is on the minus strand). VCF-style: chr15-48505102-C-T. GRCh37 (hg19) VCF-style: chr15-48797299-C-T.
Other names: short protein forms C628Y.
Identifiers: ClinVar variation 1066301 (VCV001066301.11), dbSNP rs1555399825, ClinGen allele CA392339113.